The following is an entry in ClinVar:

NM_152564.5(VPS13B):c.1321C>T (p.Pro441Ser)

Gene: VPS13B (vacuolar protein sorting 13 homolog B; plus strand). Cytogenetic location: 8q22.2.
Variant type: single nucleotide variant.
Coding change: c.1321C>T on transcript NM_152564.5 (MANE Select); coding-DNA position 1321, C replaced by T.
Protein change: p.Pro441Ser; replaces proline 441 with serine.
Molecular consequence: missense variant.
Genome position (GRCh38, 1-based): chr8:99,135,033, C>T. VCF-style: chr8-99135033-C-T. GRCh37 (hg19) VCF-style: chr8-100147261-C-T.
Other names: c.1321C>T, p.Pro441Ser (NM_015243.3, NM_017890.5); short protein forms P441S.
Identifiers: ClinVar variation 1501398 (VCV001501398.8), dbSNP rs1563560482, ClinGen allele CA371862705.

ClinVar aggregate classification (germline): Uncertain significance (1 of 4 stars; one submission).

Conditions:
Cohen syndrome (COH1). Also called: Cutis verticis gyrata, retinitis pigmentosa, and sensorineural deafness; PEPPER SYNDROME. Identifiers: Orphanet 193, MedGen C0265223, MONDO:0008999, OMIM 216550.

Allele frequency attached by ClinVar (database versions not stated): gnomAD exomes below 0.00001.
gnomAD v4.1: 1 of 1,613,428 alleles (0.000062%); highest among the groups gnomAD compares: South Asian, 0.0011%; no homozygotes.

Submission:

Labcorp Genetics (formerly Invitae), Labcorp
Classification: Uncertain significance for Cohen syndrome. Last evaluated: 2022-07-12. Review status: criteria provided, single submitter. Criteria: Invitae Variant Classification Sherloc (09022015). Collection method: clinical testing. Allele origin: germline.
Comment: Algorithms developed to predict the effect of missense changes on protein structure and function are either unavailable or do not agree on the potential impact of this missense change (SIFT: "Not Available"; PolyPhen-2: "Possibly Damaging"; Align-GVGD: "Not Available"). In summary, the available evidence is currently insufficient to determine the role of this variant in disease. Therefore, it has been classified as a Variant of Uncertain Significance. ClinVar contains an entry for this variant (Variation ID: 1501398). This variant has not been reported in the literature in individuals affected with VPS13B-related conditions. This variant is not present in population databases (gnomAD no frequency). This sequence change replaces proline, which is neutral and non-polar, with serine, which is neutral and polar, at codon 441 of the VPS13B protein (p.Pro441Ser).